The following is an entry in ClinVar:

NM_000548.5(TSC2):c.5383C>T (p.Arg1795Cys)

Gene: TSC2 (TSC complex subunit 2; plus strand). Cytogenetic location: 16p13.3.
Variant type: single nucleotide variant.
Coding change: c.5383C>T on transcript NM_000548.5 (MANE Select); coding-DNA position 5383, C replaced by T.
Protein change: p.Arg1795Cys; replaces arginine 1795 with cysteine.
Molecular consequence: missense variant.
Genome position (GRCh38, 1-based): chr16:2,088,569, C>T. VCF-style: chr16-2088569-C-T. GRCh37 (hg19) VCF-style: chr16-2138570-C-T.
Other names: p.R1795C:CGC>TGC; c.5182C>T, p.Arg1728Cys (NM_001077183.3); c.5314C>T, p.Arg1772Cys (NM_001114382.3); c.5074C>T, p.Arg1692Cys (NM_001318827.2); c.5038C>T, p.Arg1680Cys (NM_001318829.2); c.4651C>T, p.Arg1551Cys (NM_001318831.2); c.5215C>T, p.Arg1739Cys (NM_001318832.2); c.5185C>T, p.Arg1729Cys (NM_001363528.2); and 3 more; short protein forms R1795C, R1728C, R1752C, R1692C, R1729C, R1772C, R1551C, R1739C.
Identifiers: ClinVar variation 41748 (VCV000041748.97), dbSNP rs45517423, ClinGen allele CA022447.

ClinVar aggregate classification (germline): Benign/Likely benign. Review status: criteria provided, multiple submitters, no conflicts (2 of 4 stars). 33 submissions from 32 submitters: Benign (13); Likely benign (11). 9 of the submissions do not count toward it. Last evaluated 2026-09-01.

Conditions:
Tuberous sclerosis 2 (TSC2). Identifiers: Orphanet 805, MedGen C1860707, MONDO:0013199, OMIM 613254.
Isolated focal cortical dysplasia type II (FCORD2). Also called: Focal cortical dysplasia type II; CORTICAL DYSPLASIA OF TAYLOR. Identifiers: Orphanet 268994, MedGen C1846385, MONDO:0011818, OMIM 607341, HP:0032051.
Lymphangiomyomatosis (LAM). Also called: Lymphangioleiomyomatosis, somatic; Lymphangioleiomyomatosis. Identifiers: Orphanet 538, MedGen C0751674, MONDO:0011705, OMIM 606690.
Hereditary cancer-predisposing syndrome. Also called: Neoplastic Syndromes, Hereditary; Hereditary neoplastic syndrome; Hereditary Cancer Syndrome; Tumor predisposition. Identifiers: Orphanet 140162, MedGen C0027672, MeSH D009386, MONDO:0015356.
Tuberous sclerosis syndrome (TSC). Also called: Tuberous sclerosis; Tuberous Sclerosis Complex. Identifiers: Orphanet 805, MedGen C0041341, MONDO:0001734.
Tuberous sclerosis and lymphangiomyomatosis.

Allele frequency attached by ClinVar (database versions not stated): ExAC 0.00122; TOPMed 0.00143; 1000 Genomes Project 0.00080; ESP Exome Variant Server 0.00131; gnomAD 0.00156 and 0.00152; 1000 Genomes Project 30x 0.00078; gnomAD exomes 0.00148.
gnomAD v4.1: 2,955 of 1,609,942 alleles (0.18%); highest among the groups gnomAD compares: Admixed American, 0.24%; 2 homozygotes.

Submissions 1 to 21 of 33:

CeGaT Center for Human Genetics Tuebingen
Classification: Likely benign. Last evaluated: 2026-09-01. Review status: criteria provided, single submitter. Criteria: CeGaT Center For Human Genetics Tuebingen Variant Classification Criteria Version 2. Collection method: clinical testing. Allele origin: germline. Affected: yes. Observed: 61 variant alleles.
Comment: TSC2: BS1

Dasa
Classification: Benign for Tuberous sclerosis 2. Last evaluated: 2026-02-15. Review status: criteria provided, single submitter. Criteria: DASA Assertion Criteria. Collection method: clinical testing. Allele origin: germline.
Comment: NM_000548.5(TSC2):c.5383C>T (p.Arg1795Cys) is interpreted as benign based on a combination of available evidence, which may include population frequency, observations in unaffected individuals, intact protein function, lack of segregation with disease, in silico models, amino acid conservation, lack of disease association in case-control studies, and/or inconsistency with the known disease mechanism or impacted region. Based on the available data, this variant is classified as benign.

Labcorp Genetics (formerly Invitae), Labcorp
Classification: Benign for Tuberous sclerosis 2. Last evaluated: 2026-02-04. Review status: criteria provided, single submitter. Criteria: Invitae Variant Classification Sherloc (09022015). Collection method: clinical testing. Allele origin: germline.

Ambry Genetics
Classification: Benign for Hereditary cancer-predisposing syndrome. Last evaluated: 2025-12-11. Review status: criteria provided, single submitter. Criteria: Ambry Variant Classification Scheme 2023. Collection method: clinical testing. Allele origin: germline.

ARUP Laboratories, Molecular Genetics and Genomics, ARUP Laboratories
Classification: Likely benign. Last evaluated: 2025-07-17. Review status: criteria provided, single submitter. Criteria: ARUP Molecular Germline Variant Investigation Process 2024. Collection method: clinical testing. Allele origin: germline.

Women's Health and Genetics/Laboratory Corporation of America, LabCorp
Classification: Likely benign. Last evaluated: 2025-07-09. Review status: criteria provided, single submitter. Criteria: LabCorp Variant Classification Summary - May 2015. Collection method: clinical testing. Allele origin: germline.

Myriad Genetics, Inc.
Classification: Benign for Tuberous sclerosis 2. Last evaluated: 2025-06-09. Review status: criteria provided, single submitter. Criteria: Myriad Autosomal Dominant, Autosomal Recessive and X-Linked Classification Criteria (2023). Collection method: clinical testing. Allele origin: unknown.
Comment: This variant is considered benign. This variant has been observed at a population frequency that is significantly greater than expected given the associated disease prevalence and penetrance. Homozygosity has been confirmed in one or more individuals. As homozygosity for pathogenic variants in this gene is generally assumed to result in embryonic lethality, this variant is unlikely to be pathogenic.

Blueprint Genetics
Classification: Likely benign. Last evaluated: 2024-11-21. Review status: criteria provided, single submitter. Criteria: ACMG Guidelines, 2015. Collection method: clinical testing. Allele origin: germline.

All of Us Research Program, National Institutes of Health
Classification: Likely benign for Tuberous sclerosis syndrome. Last evaluated: 2024-09-25. Review status: criteria provided, single submitter. Criteria: ACMG Guidelines, 2015. Collection method: clinical testing. Allele origin: germline. Inheritance: Autosomal dominant inheritance. Observed: 466 variant alleles, 466 heterozygotes.
Comment: This study involves interpretation of variants in research participants for the purpose of population health screening. Participant phenotype was not available at the time of variant classification. Additional details can be found in publication PMID: 35346344, PMCID: PMC8962531

Mayo Clinic Laboratories, Mayo Clinic
Classification: Likely benign. Last evaluated: 2024-05-09. Review status: criteria provided, single submitter. Criteria: ACMG Guidelines, 2015. Collection method: clinical testing. Allele origin: germline. Observed: 9 variant alleles.
Comment: BS1, BS3_supporting

Department of Pathology and Laboratory Medicine, Sinai Health System
Classification: Benign for Lymphangiomyomatosis; Isolated focal cortical dysplasia type II; Tuberous sclerosis 2. Last evaluated: 2022-06-22. Review status: criteria provided, single submitter. Criteria: ACMG Guidelines, 2015. Collection method: clinical testing. Allele origin: germline. Affected: yes.

Genetic Services Laboratory, University of Chicago
Classification: Likely benign. Last evaluated: 2021-12-27. Review status: criteria provided, single submitter. Criteria: ACMG Guidelines, 2015. Collection method: clinical testing. Allele origin: germline. Affected: no.

Genome-Nilou Lab
Classification: Benign for Tuberous sclerosis 2. Last evaluated: 2021-11-07. Review status: criteria provided, single submitter. Criteria: ACMG Guidelines, 2015. Collection method: clinical testing. Allele origin: germline. Affected: no.

Sema4
Classification: Benign for Hereditary cancer-predisposing syndrome. Last evaluated: 2020-10-27. Review status: criteria provided, single submitter. Criteria: Sema4 Curation Guidelines. Collection method: curation. Allele origin: germline.

Mendelics
Classification: Benign for Tuberous sclerosis 2. Last evaluated: 2019-05-28. Review status: criteria provided, single submitter. Criteria: Mendelics Assertion Criteria 2017. Collection method: clinical testing. Allele origin: unknown.

Centre for Mendelian Genomics, University Medical Centre Ljubljana
Classification: Benign for Lymphangiomyomatosis. Last evaluated: 2019-03-27. Review status: criteria provided, single submitter. Criteria: ACMG Guidelines, 2015. Collection method: clinical testing. Allele origin: unknown. Affected: yes.
Comment: This variant was classified as: Benign. The following ACMG criteria were applied in classifying this variant: BS1,BS2.

GeneDx
Classification: Benign. Last evaluated: 2018-11-08. Review status: criteria provided, single submitter. Criteria: GeneDx Variant Classification Process June 2021. Collection method: clinical testing. Allele origin: germline. Affected: yes.
Comment: This variant is associated with the following publications: (PMID: 22703879, 24055113, 25637381, 21309039, 11208653, 27884173, 27153395, 26332594)

Color Diagnostics, LLC DBA Color Health
Classification: Likely benign for Tuberous sclerosis syndrome. Last evaluated: 2018-03-05. Review status: criteria provided, single submitter. Criteria: ACMG Guidelines, 2015. Collection method: clinical testing. Allele origin: germline.

Illumina Laboratory Services, Illumina
Classification: Benign for Tuberous sclerosis syndrome. Last evaluated: 2018-01-13. Review status: criteria provided, single submitter. Criteria: ICSL Variant Classification Criteria 13 December 2019. Collection method: clinical testing. Allele origin: germline.
Comment: This variant was observed in the ICSL laboratory as part of a predisposition screen in an ostensibly healthy population. It had not been previously curated by ICSL or reported in the Human Gene Mutation Database (HGMD: prior to June 1st, 2018), and was therefore a candidate for classification through an automated scoring system. Utilizing variant allele frequency, disease prevalence and penetrance estimates, and inheritance mode, an automated score was calculated to assess if this variant is too frequent to cause the disease. Based on the score and internal cut-off values, a variant classified as benign is not then subjected to further curation. The score for this variant resulted in a classification of benign for this disease.

Athena Diagnostics
Classification: Benign. Last evaluated: 2017-12-04. Review status: criteria provided, single submitter. Criteria: Athena Diagnostics Criteria. Collection method: clinical testing. Allele origin: germline.

Quest Diagnostics Nichols Institute San Juan Capistrano
Classification: Benign. Last evaluated: 2017-12-04. Review status: criteria provided, single submitter. Criteria: Quest Diagnostics criteria. Collection method: clinical testing. Allele origin: unknown.